The following is an entry in ClinVar:

ClinVar aggregate classification (germline): Uncertain significance (1 of 4 stars; one submission).

Submission:

Ambry Genetics
Classification: Uncertain significance. Last evaluated: 2026-03-14. Review status: criteria provided, single submitter. Criteria: Ambry Variant Classification Scheme 2023. Collection method: clinical testing. Allele origin: germline.
Comment: The p.G360D variant (also known as c.1079G>A), located in coding exon 8 of the RNF43 gene, results from a G to A substitution at nucleotide position 1079. The glycine at codon 360 is replaced by aspartic acid, an amino acid with similar properties. This amino acid position is conserved. In addition, this alteration is predicted to be tolerated by in silico analysis. Based on the available evidence, the clinical significance of this variant remains unclear.

NM_017763.6(RNF43):c.1079G>A (p.Gly360Asp)

Gene: RNF43 (ring finger protein 43; minus strand). Cytogenetic location: 17q22.
Variant type: single nucleotide variant.
Coding change: c.1079G>A on transcript NM_017763.6 (MANE Select); coding-DNA position 1079, G replaced by A.
Protein change: p.Gly360Asp; replaces glycine 360 with aspartic acid.
Molecular consequence: missense variant.
Genome position (GRCh38, 1-based): chr17:58,358,697, C>T on the plus strand (G>A on the coding strand, the complement: RNF43 is on the minus strand). VCF-style: chr17-58358697-C-T. GRCh37 (hg19) VCF-style: chr17-56436058-C-T.
Other names: c.1079G>A, p.Gly360Asp (NM_001305544.3, NM_001438820.1, NM_001438821.1 and 1 more transcripts); c.698G>A, p.Gly233Asp (NM_001305545.2, NM_001437987.1); short protein forms G233D, G360D.
Identifiers: ClinVar variation 4826160 (VCV004826160.1).
Genomic context (GRCh38, chr17:58,358,697, plus strand): 5'-TCCTGGGATGGCAGGAAGGGACCAGGTCGTGGGGGCCGAGCCACTGCACTCCGGGAAGGG[C>T]CCAACAGGTAGGCAGCAGGGAGGTGGTAGTGGGCATGGCCGGGATGCTGGCGAATGAGGT-3'
Protein context (NP_060233.3, residues 350-370): HYHLPAAYLL[Gly360Asp]PSRSAVARPP